The following is an entry in ClinVar:

ClinVar aggregate classification (germline): Likely pathogenic (1 of 4 stars; one submission).

Submission:

GeneDx
Classification: Likely pathogenic. Last evaluated: 2017-07-28. Review status: criteria provided, single submitter. Criteria: GeneDx Variant Classification (06012015). Collection method: clinical testing. Allele origin: germline. Affected: yes.
Comment: The c.7153dupA variant has not been published as a pathogenic variant, nor has it been reported as a benign variant to our knowledge. This variant is not observed in large population cohorts (Lek et al., 2016; 1000 Genomes Consortium et al., 2015; Exome Variant Server). The c.7153dupA variant causes a frameshift starting with codon Arginine 2385, changes this amino acid to a Lysine residue and creates a premature Stop codon at position 17 of the new reading frame, denoted p.Arg2385LysfsX17. This variant is predicted to cause loss of normal protein function either through protein truncation or nonsense-mediated mRNA decay.

NM_018136.5(ASPM):c.7153dup (p.Arg2385fs)

Gene: ASPM (assembly factor for spindle microtubules; minus strand). Cytogenetic location: 1q31.3.
Variant type: Duplication.
Coding change: c.7153dup on transcript NM_018136.5 (MANE Select); coding-DNA position 7153, one base duplicated (A; older notation c.7153dupA).
Protein change: p.Arg2385fs; shifts the reading frame from arginine 2385.
Molecular consequence: frameshift variant. On other transcripts: intron variant (1).
Genome position (GRCh38, 1-based): chr1:197,102,098, T duplicated on the plus strand (A on the coding strand, the reverse complement: ASPM is on the minus strand); the first of 3 consecutive T bases (chr1:197,102,098-197,102,100); duplicating any one gives the same sequence. VCF-style (leftmost placement, unchanged base first): chr1-197102097-C-CT. GRCh37 (hg19) VCF-style: chr1-197071227-C-CT.
Other names: c.4066-5934dup (NM_001206846.2); c.7153dupA (NM_018136.4); short protein forms R2385fs.
Identifiers: ClinVar variation 450967 (VCV000450967.2), dbSNP rs1553223323, ClinGen allele CA658656980.